The following is an entry in ClinVar:

ClinVar aggregate classification (germline): Likely benign. Review status: criteria provided, multiple submitters, no conflicts (2 of 4 stars). 3 submissions from 3 submitters: Likely benign (2). 1 of the submissions does not count toward it. Last evaluated 2026-01-21.

Conditions:
LOXL3-related disorder. Also called: LOXL3-related condition.

Allele frequency attached by ClinVar (database versions not stated): ExAC 0.00009; TOPMed 0.00013; ESP Exome Variant Server 0.00015; gnomAD exomes 0.00010 and 0.00037; gnomAD 0.00013 and 0.00014.
gnomAD v4.1: 568 of 1,613,332 alleles (0.035%); highest among the groups gnomAD compares: Non-Finnish European, 0.045%; no homozygotes.

Submissions (3):

Labcorp Genetics (formerly Invitae), Labcorp
Classification: Likely benign. Last evaluated: 2026-01-21. Review status: criteria provided, single submitter. Criteria: Invitae Variant Classification Sherloc (09022015). Collection method: clinical testing. Allele origin: germline.

CeGaT Center for Human Genetics Tuebingen
Classification: Likely benign. Last evaluated: 2025-10-01. Review status: criteria provided, single submitter. Criteria: CeGaT Center For Human Genetics Tuebingen Variant Classification Criteria Version 2. Collection method: clinical testing. Allele origin: germline. Affected: yes. Observed: 1 variant allele.
Comment: LOXL3: BP4, BP7

PreventionGenetics, part of Exact Sciences
Classification: Likely benign for LOXL3-related condition. Last evaluated: 2020-01-23. Review status: no assertion criteria provided. Collection method: clinical testing. Allele origin: germline. Not counted in ClinVar's aggregate classification.
Comment: This variant is classified as likely benign based on ACMG/AMP sequence variant interpretation guidelines (Richards et al. 2015 PMID: 25741868, with internal and published modifications).

NM_032603.5(LOXL3):c.579T>C (p.Leu193=)

Genes: DOK1 (docking protein 1; plus strand), LOXL3 (lysyl oxidase like 3; minus strand). Cytogenetic location: 2p13.1.
Variant type: single nucleotide variant.
Coding change: c.579T>C on transcript NM_032603.5 (MANE Select); coding-DNA position 579, T replaced by C.
Protein change: p.Leu193=; no amino-acid change (leucine 193 retained).
Molecular consequence: synonymous variant. On other transcripts: 5 prime UTR variant (1), intron variant (2).
Genome position (GRCh38, 1-based): chr2:74,549,482, A>G on the plus strand (T>C on the coding strand, the complement: LOXL3 is on the minus strand). VCF-style: chr2-74549482-A-G. GRCh37 (hg19) VCF-style: chr2-74776609-A-G.
Other names: c.-285T>C (NM_001289165.2); c.477+703T>C (NM_001289164.3); c.-358+310A>G (NM_001197260.2).
Identifiers: ClinVar variation 1537551 (VCV001537551.16), dbSNP rs373048810, ClinGen allele CA1729138.